The following is an entry in ClinVar:

ClinVar aggregate classification (germline): Uncertain significance (1 of 4 stars; one submission).

Conditions:
Tuberous sclerosis 1 (TSC1). Identifiers: Orphanet 805, MedGen C1854465, MONDO:0008612, OMIM 191100.

Submission:

Labcorp Genetics (formerly Invitae), Labcorp
Classification: Uncertain significance for Tuberous sclerosis 1. Last evaluated: 2025-11-02. Review status: criteria provided, single submitter. Criteria: Invitae Variant Classification Sherloc (09022015). Collection method: clinical testing. Allele origin: germline.
Comment: This sequence change replaces aspartic acid, which is acidic and polar, with glutamic acid, which is acidic and polar, at codon 405 of the TSC1 protein (p.Asp405Glu). This variant is not present in population databases (gnomAD no frequency). This variant has not been reported in the literature in individuals affected with TSC1-related conditions. ClinVar contains an entry for this variant (Variation ID: 1505772). Invitae Evidence Modeling of protein sequence and biophysical properties (such as structural, functional, and spatial information, amino acid conservation, physicochemical variation, residue mobility, and thermodynamic stability) indicates that this missense variant is not expected to disrupt TSC1 protein function with a negative predictive value of 95%. RNA analysis performed to evaluate the impact of this missense change on mRNA splicing indicates it does not significantly alter splicing (internal data). In summary, the available evidence is currently insufficient to determine the role of this variant in disease. Therefore, it has been classified as a Variant of Uncertain Significance.

NM_000368.5(TSC1):c.1215C>G (p.Asp405Glu)

Gene: TSC1 (TSC complex subunit 1; minus strand). Cytogenetic location: 9q34.13.
Variant type: single nucleotide variant.
Coding change: c.1215C>G on transcript NM_000368.5 (MANE Select); coding-DNA position 1215, C replaced by G.
Protein change: p.Asp405Glu; replaces aspartic acid 405 with glutamic acid.
Molecular consequence: missense variant.
Genome position (GRCh38, 1-based): chr9:132,910,619, G>C on the plus strand (C>G on the coding strand, the complement: TSC1 is on the minus strand). VCF-style: chr9-132910619-G-C. GRCh37 (hg19) VCF-style: chr9-135786006-G-C.
Other names: c.1212C>G, p.Asp404Glu (NM_001162426.2); c.1062C>G, p.Asp354Glu (NM_001162427.2); c.852C>G, p.Asp284Glu (NM_001362177.2); short protein forms D404E, D405E, D354E, D284E.
Identifiers: ClinVar variation 1505772 (VCV001505772.6), dbSNP rs2131941639, ClinGen allele CA375366912.
Genomic context (GRCh38, chr9:132,910,619, plus strand): 5'-GCTGGATCGCACCTTCCTGGGGGGTGTGACTGTGGCCTGGGGGAGTGAAATGTGCACGTA[G>C]TCATCCGAATGACAGAGTGGGGCTGGAGGAGGAGAGGTTGCTGGGGTTCCCAGAGGAGTT-3'
Protein context (NP_000359.1, residues 395-415): PPPAPLCHSD[Asp405Glu]YVHISLPQAT